The following is an entry in ClinVar:

NM_000548.5(TSC2):c.1876C>G (p.Leu626Val)

Gene: TSC2 (TSC complex subunit 2; plus strand). Cytogenetic location: 16p13.3.
Variant type: single nucleotide variant.
Coding change: c.1876C>G on transcript NM_000548.5 (MANE Select); coding-DNA position 1876, C replaced by G.
Protein change: p.Leu626Val; replaces leucine 626 with valine.
Molecular consequence: missense variant.
Genome position (GRCh38, 1-based): chr16:2,071,546, C>G. VCF-style: chr16-2071546-C-G. GRCh37 (hg19) VCF-style: chr16-2121547-C-G.
Other names: c.1876C>G, p.Leu626Val (NM_001077183.3, NM_001114382.3, NM_001363528.2 and 3 more transcripts); c.1765C>G, p.Leu589Val (NM_001318827.2); c.1729C>G, p.Leu577Val (NM_001318829.2); c.1276C>G, p.Leu426Val (NM_001318831.2); c.1909C>G, p.Leu637Val (NM_001318832.2); short protein forms L426V, L589V, L637V, L626V, L577V.
Identifiers: ClinVar variation 651939 (VCV000651939.8), dbSNP rs903369062, ClinGen allele CA394273095.

ClinVar aggregate classification (germline): Uncertain significance (1 of 4 stars; one submission).

Conditions:
Tuberous sclerosis 2 (TSC2). Identifiers: Orphanet 805, MedGen C1860707, MONDO:0013199, OMIM 613254.

Submission:

Labcorp Genetics (formerly Invitae), Labcorp
Classification: Uncertain significance for Tuberous sclerosis 2. Last evaluated: 2025-08-31. Review status: criteria provided, single submitter. Criteria: Invitae Variant Classification Sherloc (09022015). Collection method: clinical testing. Allele origin: germline.
Comment: This sequence change replaces leucine, which is neutral and non-polar, with valine, which is neutral and non-polar, at codon 626 of the TSC2 protein (p.Leu626Val). This variant is not present in population databases (gnomAD no frequency). This variant has not been reported in the literature in individuals affected with TSC2-related conditions. ClinVar contains an entry for this variant (Variation ID: 651939). Invitae Evidence Modeling of protein sequence and biophysical properties (such as structural, functional, and spatial information, amino acid conservation, physicochemical variation, residue mobility, and thermodynamic stability) indicates that this missense variant is not expected to disrupt TSC2 protein function with a negative predictive value of 95%. In summary, the available evidence is currently insufficient to determine the role of this variant in disease. Therefore, it has been classified as a Variant of Uncertain Significance.